The following is an entry in ClinVar:

ClinVar aggregate classification (germline): Uncertain significance (1 of 4 stars; one submission).

gnomAD v4.1: 4 of 1,613,316 alleles (0.00025%); highest among the groups gnomAD compares: East Asian, 0.0045%; no homozygotes.

Submission:

GeneDx
Classification: Uncertain significance. Last evaluated: 2025-05-19. Review status: criteria provided, single submitter. Criteria: GeneDx Variant Classification Process June 2021. Collection method: clinical testing. Allele origin: germline. Affected: yes.
Comment: Not observed at significant frequency in large population cohorts (gnomAD); In silico analysis suggests that this variant does not alter splicing; Has not been previously published as pathogenic or benign to our knowledge

NM_006005.3(WFS1):c.2014C>T (p.Leu672=)

Gene: WFS1 (wolframin ER transmembrane glycoprotein; plus strand). Cytogenetic location: 4p16.1.
Variant type: single nucleotide variant.
Coding change: c.2014C>T on transcript NM_006005.3 (MANE Select); coding-DNA position 2014, C replaced by T.
Protein change: p.Leu672=; no amino-acid change (leucine 672 retained).
Molecular consequence: synonymous variant.
Genome position (GRCh38, 1-based): chr4:6,301,809, C>T. VCF-style: chr4-6301809-C-T. GRCh37 (hg19) VCF-style: chr4-6303536-C-T.
Other names: c.2014C>T, p.Leu672= (NM_001145853.1).
Identifiers: ClinVar variation 4530989 (VCV004530989.1).
Genomic context (GRCh38, chr4:6,301,809, plus strand): 5'-TACCGCTCAGAGGGCATGAAGGTCTACAACTCCACACTGACCTGGCAGCAGTATGGTGCG[C>T]TGTGCGGGCCACGCGCCTGGAAGGAGACCAACATGGCGCGCACCCAGATCCTCTGCAGCC-3'
Protein context (NP_005996.2, residues 662-682): STLTWQQYGA[Leu672=]CGPRAWKETN